The following is an entry in ClinVar:

NM_018263.6(ASXL2):c.2693del (p.Lys898fs)

Gene: ASXL2 (ASXL transcriptional regulator 2; minus strand). Cytogenetic location: 2p23.3.
Variant type: Deletion.
Coding change: c.2693del on transcript NM_018263.6 (MANE Select); coding-DNA position 2693, one base deleted (A; older notation c.2693delA).
Protein change: p.Lys898fs; shifts the reading frame from lysine 898.
Molecular consequence: frameshift variant.
Genome position (GRCh38, 1-based): chr2:25,743,644, T deleted on the plus strand (A on the coding strand, the reverse complement: ASXL2 is on the minus strand); the first of 4 consecutive T bases (chr2:25,743,644-25,743,647); deleting any one gives the same sequence. VCF-style (leftmost placement, unchanged base first): chr2-25743643-CT-C. GRCh37 (hg19) VCF-style: chr2-25966512-CT-C.
Other names: c.2519del, p.Lys840fs (NM_001369346.1); c.1913del, p.Lys638fs (NM_001369347.1); short protein forms K638fs, K840fs, K898fs.
Identifiers: ClinVar variation 4293380 (VCV004293380.1).

ClinVar aggregate classification (germline): Likely pathogenic (1 of 4 stars; one submission).

Conditions:
Shashi-Pena syndrome (SHAPNS). Identifiers: Orphanet 689408, MedGen C4310672, MONDO:0014963, OMIM 617190.

Submission:

3billion
Classification: Likely pathogenic for Shashi-Pena syndrome. Last evaluated: 2024-09-26. Review status: criteria provided, single submitter. Criteria: ACMG Guidelines, 2015. Collection method: clinical testing. Allele origin: germline. Affected: yes.
Comment: The variant is not observed in the gnomAD v4.0.0 dataset. Predicted Consequence/Location: Frameshift: predicted to result in a loss or disruption of normal protein function through protein truncation. The predicted truncated protein may be shortened by more than 10%. Therefore, this variant is classified as Likely pathogenic according to the recommendation of ACMG/AMP guideline.